The following is an entry in ClinVar:

ClinVar aggregate classification (germline): Uncertain significance. Review status: criteria provided, multiple submitters, no conflicts (2 of 4 stars). 2 submissions from 2 submitters: Uncertain significance (2). Last evaluated 2026-01-02.

Conditions:
Familial adenomatous polyposis 1 (FAP1). Also called: FAMILIAL ADENOMATOUS POLYPOSIS 1, ATTENUATED; POLYPOSIS, ADENOMATOUS INTESTINAL. Identifiers: MedGen C2713442, MONDO:0021056, OMIM 175100. Disease mechanism: loss of function.
Hereditary cancer-predisposing syndrome. Also called: Hereditary neoplastic syndrome; Tumor predisposition; Neoplastic Syndromes, Hereditary; Hereditary Cancer Syndrome. Identifiers: Orphanet 140162, MedGen C0027672, MeSH D009386, MONDO:0015356.

Submissions (2):

Labcorp Genetics (formerly Invitae), Labcorp
Classification: Uncertain significance for Familial adenomatous polyposis 1. Last evaluated: 2026-01-02. Review status: criteria provided, single submitter. Criteria: Invitae Variant Classification Sherloc (09022015). Collection method: clinical testing. Allele origin: germline.
Comment: This sequence change replaces leucine, which is neutral and non-polar, with arginine, which is basic and polar, at codon 1969 of the APC protein (p.Leu1969Arg). This variant is not present in population databases (gnomAD no frequency). This variant has not been reported in the literature in individuals affected with APC-related conditions. ClinVar contains an entry for this variant (Variation ID: 1503034). Invitae Evidence Modeling of protein sequence and biophysical properties (such as structural, functional, and spatial information, amino acid conservation, physicochemical variation, residue mobility, and thermodynamic stability) indicates that this missense variant is not expected to disrupt APC protein function with a negative predictive value of 95%. In summary, the available evidence is currently insufficient to determine the role of this variant in disease. Therefore, it has been classified as a Variant of Uncertain Significance.

Ambry Genetics
Classification: Uncertain significance for Hereditary cancer-predisposing syndrome. Last evaluated: 2024-04-24. Review status: criteria provided, single submitter. Criteria: Ambry Variant Classification Scheme 2023. Collection method: clinical testing. Allele origin: germline.
Comment: The p.L1969R variant (also known as c.5906T>G), located in coding exon 15 of the APC gene, results from a T to G substitution at nucleotide position 5906. The leucine at codon 1969 is replaced by arginine, an amino acid with dissimilar properties. Missense alterations in APC are not a common cause of disease (Spier I et al. Genet Med. 2024 Feb;26(2):100992). This amino acid position is highly conserved in available vertebrate species. In addition, in silico predictors for this gene do not accurately predict pathogenicity. Based on the available evidence, the clinical significance of this variant remains unclear.

NM_000038.6(APC):c.5906T>G (p.Leu1969Arg)

Gene: APC (APC regulator of Wnt signaling pathway; plus strand). Cytogenetic location: 5q22.2.
Variant type: single nucleotide variant.
Coding change: c.5906T>G on transcript NM_000038.6 (MANE Select); coding-DNA position 5906, T replaced by G.
Protein change: p.Leu1969Arg; replaces leucine 1969 with arginine.
Molecular consequence: missense variant.
Genome position (GRCh38, 1-based): chr5:112,841,500, T>G. VCF-style: chr5-112841500-T-G. GRCh37 (hg19) VCF-style: chr5-112177197-T-G.
Other names: c.5906T>G, p.Leu1969Arg (NM_001127510.3, NM_001354895.2); c.5852T>G, p.Leu1951Arg (NM_001127511.3); c.5960T>G, p.Leu1987Arg (NM_001354896.2); c.5936T>G, p.Leu1979Arg (NM_001354897.2); c.5831T>G, p.Leu1944Arg (NM_001354898.2); c.5822T>G, p.Leu1941Arg (NM_001354899.2); c.5783T>G, p.Leu1928Arg (NM_001354900.2); c.5729T>G, p.Leu1910Arg (NM_001354901.2); and 5 more; short protein forms L1878R, L1910R, L1928R, L1944R, L1686R, L1941R, L1951R, L1809R.
Identifiers: ClinVar variation 1503034 (VCV001503034.9), dbSNP rs2149952269, ClinGen allele CA16034255.
Genomic context (GRCh38, chr5:112,841,500, plus strand): 5'-AAAAGTTACAGAATTTTGCTATTGAAAATACTCCGGTTTGCTTTTCTCATAATTCCTCTC[T>G]GAGTTCTCTCAGTGACATTGACCAAGAAAACAACAATAAAGAAAATGAACCTATCAAAGA-3'
Protein context (NP_000029.2, residues 1959-1979): TPVCFSHNSS[Leu1969Arg]SSLSDIDQEN